The following is an entry in ClinVar:

NM_005733.3(KIF20A):c.1577A>T (p.Glu526Val)

Gene: KIF20A (kinesin family member 20A; plus strand). Cytogenetic location: 5q31.2.
Variant type: single nucleotide variant.
Coding change: c.1577A>T on transcript NM_005733.3 (MANE Select); coding-DNA position 1577, A replaced by T.
Protein change: p.Glu526Val; replaces glutamic acid 526 with valine.
Molecular consequence: missense variant.
Genome position (GRCh38, 1-based): chr5:138,184,570, A>T. VCF-style: chr5-138184570-A-T. GRCh37 (hg19) VCF-style: chr5-137520259-A-T.
Other names: short protein forms E526V.
Identifiers: ClinVar variation 1520796 (VCV001520796.8), dbSNP rs1345469939, ClinGen allele CA361116694.
Genomic context (GRCh38, chr5:138,184,570, plus strand): 5'-AGCTTGTGCATGCCCCACCTATGCAACTGGGATTCCCATCCCTGCACTCGTTCATCAAGG[A>T]ACATAGTCTTCAGGTATCCCCCAGCTTAGAGAAAGGGGCTAAGGCAGACACAGGCCTTGA-3'
Protein context (NP_005724.1, residues 516-536): GFPSLHSFIK[Glu526Val]HSLQVSPSLE

ClinVar aggregate classification (germline): Uncertain significance (1 of 4 stars; one submission).

Allele frequency attached by ClinVar (database versions not stated): TOPMed below 0.00001; gnomAD exomes 0.00001.
gnomAD v4.1: 5 of 1,614,182 alleles (0.00031%); highest among the groups gnomAD compares: Non-Finnish European, 0.00042%; no homozygotes.

Submission:

Labcorp Genetics (formerly Invitae), Labcorp
Classification: Uncertain significance. Last evaluated: 2021-05-12. Review status: criteria provided, single submitter. Criteria: Invitae Variant Classification Sherloc (09022015). Collection method: clinical testing. Allele origin: germline.
Comment: This variant has not been reported in the literature in individuals with KIF20A-related conditions. This variant is not present in population databases (ExAC no frequency). This sequence change replaces glutamic acid with valine at codon 526 of the KIF20A protein (p.Glu526Val). The glutamic acid residue is highly conserved and there is a moderate physicochemical difference between glutamic acid and valine. Algorithms developed to predict the effect of missense changes on protein structure and function are either unavailable or do not agree on the potential impact of this missense change (SIFT: "Deleterious"; PolyPhen-2: "Possibly Damaging"; Align-GVGD: "Class C15"). Algorithms developed to predict the effect of sequence changes on RNA splicing suggest that this variant may create or strengthen a splice site, but this prediction has not been confirmed by published transcriptional studies. In summary, the available evidence is currently insufficient to determine the role of this variant in disease. Therefore, it has been classified as a Variant of Uncertain Significance.